The following is an entry in ClinVar:

ClinVar aggregate classification (germline): Uncertain significance (1 of 4 stars; one submission).

Submission:

Labcorp Genetics (formerly Invitae), Labcorp
Classification: Uncertain significance. Last evaluated: 2021-10-04. Review status: criteria provided, single submitter. Criteria: Invitae Variant Classification Sherloc (09022015). Collection method: clinical testing. Allele origin: germline.
Comment: This sequence change replaces glutamine with glutamic acid at codon 891 of the ARHGEF18 protein (p.Gln891Glu). The glutamine residue is moderately conserved and there is a small physicochemical difference between glutamine and glutamic acid. In summary, the available evidence is currently insufficient to determine the role of this variant in disease. Therefore, it has been classified as a Variant of Uncertain Significance. Algorithms developed to predict the effect of missense changes on protein structure and function (SIFT, PolyPhen-2, Align-GVGD) all suggest that this variant is likely to be tolerated. This variant has not been reported in the literature in individuals affected with ARHGEF18-related conditions. The frequency data for this variant in the population databases is considered unreliable, as metrics indicate insufficient coverage at this position in the ExAC database.

NM_001367823.1(ARHGEF18):c.3235C>G (p.Gln1079Glu)

Gene: ARHGEF18 (Rho/Rac guanine nucleotide exchange factor 18; plus strand). Cytogenetic location: 19p13.2.
Variant type: single nucleotide variant.
Coding change: c.3235C>G on transcript NM_001367823.1 (MANE Select); coding-DNA position 3235, C replaced by G.
Protein change: p.Gln1079Glu; replaces glutamine 1079 with glutamic acid.
Molecular consequence: missense variant.
Genome position (GRCh38, 1-based): chr19:7,467,439, C>G. VCF-style: chr19-7467439-C-G. GRCh37 (hg19) VCF-style: chr19-7532325-C-G.
Other names: c.2509C>G, p.Gln837Glu (NM_001130955.2); c.2197C>G, p.Gln733Glu (NM_001367824.1, NM_015318.4); short protein forms Q733E, Q1079E, Q837E.
Identifiers: ClinVar variation 1479043 (VCV001479043.6), dbSNP rs2145911398, ClinGen allele CA403088406.
Genomic context (GRCh38, chr19:7,467,439, plus strand): 5'-CTGCAGAGCCAGCTGCGGCACGAGCAGCAGCGCTGGGAGCGCGAGCGCCAGTGGCAGCAC[C>G]AGGAGCTGGAGCGTGCGGGCGCGCGGCTGCAGGAGCGCGAGGGCGAGGCGCGGCAGCTAC-3'
Protein context (NP_001354752.1, residues 1069-1089): RWERERQWQH[Gln1079Glu]ELERAGARLQ